The following is an entry in ClinVar:

ClinVar aggregate classification (germline): Uncertain significance (1 of 4 stars; one submission).

Conditions:
POLD1-related polyposis and colorectal cancer syndrome (CRCS10). Also called: Colorectal cancer 10; COLORECTAL CANCER, SUSCEPTIBILITY TO, ON CHROMOSOME 19q; Colorectal cancer, susceptibility to, 10. Identifiers: Orphanet 220460, MedGen C2675481, MONDO:0012953, OMIM 612591.

gnomAD v4.1: 2 of 1,550,054 alleles (0.00013%); highest among the groups gnomAD compares: Non-Finnish European, 0.00017%; no homozygotes.

Submission:

Labcorp Genetics (formerly Invitae), Labcorp
Classification: Uncertain significance for POLD1-related polyposis and colorectal cancer syndrome. Last evaluated: 2024-10-07. Review status: criteria provided, single submitter. Criteria: Invitae Variant Classification Sherloc (09022015). Collection method: clinical testing. Allele origin: germline.
Comment: This sequence change replaces glutamine, which is neutral and polar, with lysine, which is basic and polar, at codon 955 of the POLD1 protein (p.Gln955Lys). This variant is not present in population databases (gnomAD no frequency). This variant has not been reported in the literature in individuals affected with POLD1-related conditions. Invitae Evidence Modeling of protein sequence and biophysical properties (such as structural, functional, and spatial information, amino acid conservation, physicochemical variation, residue mobility, and thermodynamic stability) indicates that this missense variant is not expected to disrupt POLD1 protein function with a negative predictive value of 80%. In summary, the available evidence is currently insufficient to determine the role of this variant in disease. Therefore, it has been classified as a Variant of Uncertain Significance.

NM_002691.4(POLD1):c.2863C>A (p.Gln955Lys)

Gene: POLD1 (DNA polymerase delta 1, catalytic subunit; plus strand). Cytogenetic location: 19q13.33.
Variant type: single nucleotide variant.
Coding change: c.2863C>A on transcript NM_002691.4 (MANE Select); coding-DNA position 2863, C replaced by A.
Protein change: p.Gln955Lys; replaces glutamine 955 with lysine.
Molecular consequence: missense variant. On other transcripts: non-coding transcript variant (1).
Genome position (GRCh38, 1-based): chr19:50,416,438, C>A. VCF-style: chr19-50416438-C-A. GRCh37 (hg19) VCF-style: chr19-50919695-C-A.
Other names: c.2863C>A, p.Gln955Lys (NM_001256849.1); c.2941C>A, p.Gln981Lys (NM_001308632.1); short protein forms Q955K, Q981K.
Identifiers: ClinVar variation 3666423 (VCV003666423.2).